The following is an entry in ClinVar:

ClinVar aggregate classification (germline): Likely benign. Review status: criteria provided, multiple submitters, no conflicts (2 of 4 stars). 2 submissions from 2 submitters: Likely benign (2). Last evaluated 2019-11-19.

Submissions (2):

Athena Diagnostics
Classification: Likely benign. Last evaluated: 2019-11-19. Review status: criteria provided, single submitter. Criteria: Athena Diagnostics Criteria. Collection method: clinical testing. Allele origin: unknown.

GeneDx
Classification: Likely benign. Last evaluated: 2016-12-19. Review status: criteria provided, single submitter. Criteria: GeneDx Variant Classification (06012015). Collection method: clinical testing. Allele origin: germline. Affected: yes.
Comment: This variant is considered likely benign or benign based on one or more of the following criteria: it is a conservative change, it occurs at a poorly conserved position in the protein, it is predicted to be benign by multiple in silico algorithms, and/or has population frequency not consistent with disease.

NM_006009.4(TUBA1A):c.*1del (p.Ter452=)

Gene: TUBA1A (tubulin alpha 1a; minus strand). Cytogenetic location: 12q13.12.
Variant type: Deletion.
Coding change: c.*1del on transcript NM_006009.4 (MANE Select); 1 bases downstream of the stop codon, one base deleted (A; older notation c.*1delA).
Protein change: p.Ter452=.
Molecular consequence: no sequence alteration.
Genome position (GRCh38, 1-based): chr12:49,185,009, T deleted on the plus strand (A on the coding strand, the reverse complement: TUBA1A is on the minus strand); the first of 3 consecutive T bases (chr12:49,185,009-49,185,011); deleting any one gives the same sequence. VCF-style (leftmost placement, unchanged base first): chr12-49185008-CT-C. GRCh37 (hg19) VCF-style: chr12-49578791-CT-C.
Other names: c.*1del, p.Ter452= (NM_001270399.2); c.*1del, p.Ter417= (NM_001270400.2).
Identifiers: ClinVar variation 422892 (VCV000422892.2), dbSNP rs781483247, ClinGen allele CA6550196.